The following is an entry in ClinVar:

NM_000135.4(FANCA):c.2291G>A (p.Arg764Gln)

Gene: FANCA (FA complementation group A; minus strand). Cytogenetic location: 16q24.3.
Variant type: single nucleotide variant.
Coding change: c.2291G>A on transcript NM_000135.4 (MANE Select); coding-DNA position 2291, G replaced by A.
Protein change: p.Arg764Gln; replaces arginine 764 with glutamine.
Molecular consequence: missense variant.
Genome position (GRCh38, 1-based): chr16:89,770,191, C>T on the plus strand (G>A on the coding strand, the complement: FANCA is on the minus strand). VCF-style: chr16-89770191-C-T. GRCh37 (hg19) VCF-style: chr16-89836599-C-T.
Other names: c.2291G>A, p.Arg764Gln (NM_001286167.3); c.2291G>A (NM_000135.3); short protein forms R764Q.
Identifiers: ClinVar variation 860831 (VCV000860831.10), dbSNP rs377442601, ClinGen allele CA8251801.
Genomic context (GRCh38, chr16:89,770,191, plus strand): 5'-CCCCCAAGGGTGGCCCCCATGAAGGAGAGCCTCACCTGGTGACGGAGCAGCTGGCAGAGC[C>T]GGGTGAGCACTGCAGGGAGCACACGTCCACACATGGTCCTCACGAAGAGGGCAGCCCAGG-3'
Protein context (NP_000126.2, residues 754-774): CGRVLPAVLT[Arg764Gln]LCQLLRHQGP

ClinVar aggregate classification (germline): Uncertain significance. Review status: criteria provided, multiple submitters, no conflicts (2 of 4 stars). 5 submissions from 5 submitters: Uncertain significance (4). 1 of the submissions does not count toward it. Last evaluated 2025-09-11.

Conditions:
Fanconi anemia (FA). Also called: Fanconi's anemia. Identifiers: Orphanet 84, MedGen C0015625, MeSH D005199, MONDO:0019391.
Fanconi anemia complementation group A (FANCA). Also called: Fanconi anemia, group A; FANCA-Related Fanconi Anemia. Identifiers: Orphanet 84, MedGen C3469521, MONDO:0009215, OMIM 227650.

Allele frequency attached by ClinVar (database versions not stated): gnomAD exomes 0.00002; gnomAD 0.00004 and 0.00005; ExAC 0.00005; TOPMed 0.00007; ESP Exome Variant Server 0.00008.
gnomAD v4.1: 13 of 1,592,824 alleles (0.00082%); highest among the groups gnomAD compares: African/African-American, 0.012%; no homozygotes.

Submissions (5):

Quest Diagnostics Nichols Institute San Juan Capistrano
Classification: Uncertain significance. Last evaluated: 2025-09-11. Review status: criteria provided, single submitter. Criteria: Quest Diagnostics criteria. Collection method: clinical testing. Allele origin: unknown.
Comment: The FANCA c.2291G>A (p.Arg764Gln) variant has not been reported in individuals with FANCA-related conditions in the published literature. The frequency of this variant in the general population (Genome Aggregation Database) is uninformative in the assessment of its pathogenicity. Analysis of this variant using bioinformatics tools for the prediction of the effect of amino acid changes on protein structure and function yielded conflicting predictions that this variant is benign or damaging. Based on the available information, we are unable to determine the clinical significance of this variant.

Labcorp Genetics (formerly Invitae), Labcorp
Classification: Uncertain significance for Fanconi anemia. Last evaluated: 2025-09-09. Review status: criteria provided, single submitter. Criteria: Invitae Variant Classification Sherloc (09022015). Collection method: clinical testing. Allele origin: germline.
Comment: This sequence change replaces arginine, which is basic and polar, with glutamine, which is neutral and polar, at codon 764 of the FANCA protein (p.Arg764Gln). The frequency data for this variant in the population databases is considered unreliable, as metrics indicate poor data quality at this position in the gnomAD database. This variant has not been reported in the literature in individuals affected with FANCA-related conditions. ClinVar contains an entry for this variant (Variation ID: 860831). Invitae Evidence Modeling of protein sequence and biophysical properties (such as structural, functional, and spatial information, amino acid conservation, physicochemical variation, residue mobility, and thermodynamic stability) indicates that this missense variant is expected to disrupt FANCA protein function with a positive predictive value of 95%. This variant disrupts the p.Arg764 amino acid residue in FANCA. Other variant(s) that disrupt this residue have been determined to be pathogenic (PMID: 24584348, 30792206). This suggests that this residue is clinically significant, and that variants that disrupt this residue are likely to be disease-causing. In summary, the available evidence is currently insufficient to determine the role of this variant in disease. Therefore, it has been classified as a Variant of Uncertain Significance.

GeneDx
Classification: Uncertain significance. Last evaluated: 2025-03-01. Review status: criteria provided, single submitter. Criteria: GeneDx Variant Classification Process June 2021. Collection method: clinical testing. Allele origin: germline. Affected: yes.
Comment: In silico analysis supports that this missense variant has a deleterious effect on protein structure/function; Has not been previously published as pathogenic or benign to our knowledge; This variant is associated with the following publications: (PMID: 34864095)

Fulgent Genetics
Classification: Uncertain significance for Fanconi anemia complementation group A. Last evaluated: 2021-10-26. Review status: criteria provided, single submitter. Criteria: ACMG Guidelines, 2015. Collection method: clinical testing. Allele origin: unknown.

Natera, Inc.
Classification: Uncertain significance for Fanconi anemia, group A. Last evaluated: 2020-09-16. Review status: no assertion criteria provided. Collection method: clinical testing. Allele origin: germline. Not counted in ClinVar's aggregate classification.

Literature cited by the submitters: PubMed 24584348 (cited by Labcorp Genetics (formerly Invitae), Labcorp); PubMed 30792206 (cited by Labcorp Genetics (formerly Invitae), Labcorp).